The following is an entry in ClinVar:

ClinVar aggregate classification (germline): Uncertain significance. Review status: criteria provided, multiple submitters, no conflicts (2 of 4 stars). 2 submissions from 2 submitters: Uncertain significance (2). Last evaluated 2024-10-22.

Conditions:
Fanconi anemia complementation group P. Also called: SLX4-Related Fanconi Anemia. Identifiers: Orphanet 84, MedGen C3469542, MONDO:0013499, OMIM 613951.
Fanconi anemia (FA). Also called: Fanconi's anemia. Identifiers: Orphanet 84, MedGen C0015625, MeSH D005199, MONDO:0019391.

Allele frequency attached by ClinVar (database versions not stated): gnomAD exomes below 0.00001 and 0.00002; gnomAD 0.00001; ExAC 0.00002; TOPMed 0.00002.
gnomAD v4.1: 8 of 1,614,110 alleles (0.0005%); highest among the groups gnomAD compares: Admixed American, 0.0067%; no homozygotes.

Submissions (2):

Labcorp Genetics (formerly Invitae), Labcorp
Classification: Uncertain significance for Fanconi anemia. Last evaluated: 2024-10-22. Review status: criteria provided, single submitter. Criteria: Invitae Variant Classification Sherloc (09022015). Collection method: clinical testing. Allele origin: germline.
Comment: This sequence change replaces glutamic acid, which is acidic and polar, with lysine, which is basic and polar, at codon 840 of the SLX4 protein (p.Glu840Lys). This variant is present in population databases (rs759271070, gnomAD 0.01%). This variant has not been reported in the literature in individuals affected with SLX4-related conditions. ClinVar contains an entry for this variant (Variation ID: 1352455). An algorithm developed to predict the effect of missense changes on protein structure and function outputs the following: PolyPhen-2: "Benign". The lysine amino acid residue is found in multiple mammalian species, which suggests that this missense change does not adversely affect protein function. In summary, the available evidence is currently insufficient to determine the role of this variant in disease. Therefore, it has been classified as a Variant of Uncertain Significance.

Fulgent Genetics
Classification: Uncertain significance for Fanconi anemia complementation group P. Last evaluated: 2024-06-14. Review status: criteria provided, single submitter. Criteria: ACMG Guidelines, 2015. Collection method: clinical testing. Allele origin: germline.

NM_032444.4(SLX4):c.2518G>A (p.Glu840Lys)

Gene: SLX4 (SLX4 structure-specific endonuclease subunit; minus strand). Cytogenetic location: 16p13.3.
Variant type: single nucleotide variant.
Coding change: c.2518G>A on transcript NM_032444.4 (MANE Select); coding-DNA position 2518, G replaced by A.
Protein change: p.Glu840Lys; replaces glutamic acid 840 with lysine.
Molecular consequence: missense variant.
Genome position (GRCh38, 1-based): chr16:3,591,120, C>T on the plus strand (G>A on the coding strand, the complement: SLX4 is on the minus strand). VCF-style: chr16-3591120-C-T. GRCh37 (hg19) VCF-style: chr16-3641121-C-T.
Other names: short protein forms E840K.
Identifiers: ClinVar variation 1352455 (VCV001352455.6), dbSNP rs759271070, ClinGen allele CA7866135.
Genomic context (GRCh38, chr16:3,591,120, plus strand): 5'-TAGCTGCAAATTCATAAATTTCTTCCATTTCTGCTTCATTCACGTTTTCTTGATCTTCTT[C>T]GTGGTCCTTGGATTTCAACAAAGTCTCCGCTTCCTCCTCTTCATCTGCCCACATTGACCT-3'
Protein context (NP_115820.2, residues 830-850): AETLLKSKDH[Glu840Lys]EDQENVNEAE